The following is an entry in ClinVar:

ClinVar aggregate classification (germline): Conflicting classifications of pathogenicity. Review status: criteria provided, conflicting classifications (1 of 4 stars). 8 submissions from 8 submitters: Uncertain significance (7); Likely benign (1). Last evaluated 2025-10-13.

Conditions:
BRIP1-related disorder. Also called: BRIP1-related condition; BRIP1-related disorders. Identifiers: MedGen CN239206.
Familial cancer of breast. Also called: Hereditary breast cancer; BREAST CANCER, FAMILIAL; hereditary breast carcinoma. Identifiers: Orphanet 227535, MedGen C0346153, MONDO:0016419, OMIM 114480. Disease mechanism: loss of function.
Fanconi anemia complementation group J. Also called: BRIP1-Related Fanconi Anemia. Identifiers: Orphanet 84, MedGen C1836860, MONDO:0012187, OMIM 609054.
Hereditary cancer-predisposing syndrome. Also called: Neoplastic Syndromes, Hereditary; Tumor predisposition; Hereditary neoplastic syndrome; Hereditary Cancer Syndrome. Identifiers: Orphanet 140162, MedGen C0027672, MeSH D009386, MONDO:0015356.

Allele frequency attached by ClinVar (database versions not stated): ExAC 0.00001; gnomAD exomes 0.00001; gnomAD 0.00006 and 0.00007; TOPMed 0.00006; ESP Exome Variant Server 0.00015.
gnomAD v4.1: 15 of 1,613,310 alleles (0.00093%); highest among the groups gnomAD compares: African/African-American, 0.019%; no homozygotes.

Submissions (8):

Labcorp Genetics (formerly Invitae), Labcorp
Classification: Uncertain significance for Familial cancer of breast; Fanconi anemia complementation group J. Last evaluated: 2025-10-13. Review status: criteria provided, single submitter. Criteria: Invitae Variant Classification Sherloc (09022015). Collection method: clinical testing. Allele origin: germline.
Comment: This sequence change replaces leucine, which is neutral and non-polar, with glutamine, which is neutral and polar, at codon 958 of the BRIP1 protein (p.Leu958Gln). This variant is present in population databases (rs145859791, gnomAD 0.008%). This variant has not been reported in the literature in individuals affected with BRIP1-related conditions. ClinVar contains an entry for this variant (Variation ID: 187210). Invitae Evidence Modeling of protein sequence and biophysical properties (such as structural, functional, and spatial information, amino acid conservation, physicochemical variation, residue mobility, and thermodynamic stability) indicates that this missense variant is not expected to disrupt BRIP1 protein function with a negative predictive value of 95%. In summary, the available evidence is currently insufficient to determine the role of this variant in disease. Therefore, it has been classified as a Variant of Uncertain Significance.

Ambry Genetics
Classification: Likely benign for Hereditary cancer-predisposing syndrome. Last evaluated: 2025-09-07. Review status: criteria provided, single submitter. Criteria: Ambry Variant Classification Scheme 2023. Collection method: clinical testing. Allele origin: germline.

PreventionGenetics, part of Exact Sciences
Classification: Uncertain significance for BRIP1-related condition. Last evaluated: 2024-10-17. Review status: criteria provided, single submitter. Criteria: ACMG Guidelines, 2015. Collection method: clinical testing. Allele origin: germline.
Comment: The BRIP1 c.2873T>A variant is predicted to result in the amino acid substitution p.Leu958Gln. This variant has been reported in the literature in a cohort of individuals with breast and/or ovarian cancer (Yorczyk et al. 2014. PubMed ID: 25318351). This variant is reported in 0.012% of alleles in individuals of African descent in gnomAD. This variant is interpreted as uncertain significance in ClinVar. At this time, the clinical significance of this variant is uncertain due to the absence of conclusive functional and genetic evidence.

Quest Diagnostics Nichols Institute San Juan Capistrano
Classification: Uncertain significance. Last evaluated: 2024-02-24. Review status: criteria provided, single submitter. Criteria: Quest Diagnostics criteria. Collection method: clinical testing. Allele origin: unknown.
Comment: The BRIP1 c.2873T>A (p.Leu958Gln) variant has been reported in the published literature in a cohort of individuals undergoing hereditary cancer panel testing (PMID: 25318351 (2014)). The frequency of this variant in the general population, 0.00012 (3/24930 chromosomes (Genome Aggregation Database)), is uninformative in the assessment of its pathogenicity. Analysis of this variant using bioinformatics tools for the prediction of the effect of amino acid changes on protein structure and function yielded predictions that this variant is benign. Based on the available information, we are unable to determine the clinical significance of this variant.

Baylor Genetics
Classification: Uncertain significance for Familial cancer of breast. Last evaluated: 2024-02-23. Review status: criteria provided, single submitter. Criteria: ACMG Guidelines, 2015. Collection method: clinical testing. Allele origin: unknown.

GeneDx
Classification: Uncertain significance. Last evaluated: 2023-11-20. Review status: criteria provided, single submitter. Criteria: GeneDx Variant Classification Process June 2021. Collection method: clinical testing. Allele origin: germline.
Comment: Not observed at significant frequency in large population cohorts (gnomAD); In silico analysis supports that this missense variant does not alter protein structure/function; Has not been previously published as pathogenic or benign to our knowledge; This variant is associated with the following publications: (PMID: 25318351, 11301010)

Color Diagnostics, LLC DBA Color Health
Classification: Uncertain significance for Hereditary cancer-predisposing syndrome. Last evaluated: 2019-01-30. Review status: criteria provided, single submitter. Criteria: ACMG Guidelines, 2015. Collection method: clinical testing. Allele origin: germline.

Women's Health and Genetics/Laboratory Corporation of America, LabCorp
Classification: Uncertain significance. Last evaluated: 2017-05-26. Review status: criteria provided, single submitter. Criteria: LabCorp Variant Classification Summary - May 2015. Collection method: clinical testing. Allele origin: germline.
Comment: Variant summary: The BRIP1 c.2873T>A (p.Leu958Gln) variant causes a missense change involving the alteration of a non-conserved nucleotide. 3/4 in silico tools predict a benign outcome for this variant (SNPsandGO not captured due to low reliability index). This variant was found in 1/121090 control chromosomes at a frequency of 0.0000083, which does not exceed the estimated maximal expected allele frequency of a pathogenic BRIP1 variant (0.0000625). This variant was reported in a cohort of HBOC patients (Yorczyk_Clinical Genetics_2014) and it was classifies as a VUS/unknown by two different laboratories (cited in ClinVar). Taken together, this variant is classified as VUS.

Literature cited by the submitters: PubMed 25318351 (cited by Quest Diagnostics Nichols Institute San Juan Capistrano and Women's Health and Genetics/Laboratory Corporation of America, LabCorp).

NM_032043.3(BRIP1):c.2873T>A (p.Leu958Gln)

Gene: BRIP1 (BRCA1 interacting DNA helicase 1; minus strand). Cytogenetic location: 17q23.2.
Variant type: single nucleotide variant.
Coding change: c.2873T>A on transcript NM_032043.3 (MANE Select); coding-DNA position 2873, T replaced by A.
Protein change: p.Leu958Gln; replaces leucine 958 with glutamine.
Molecular consequence: missense variant.
Genome position (GRCh38, 1-based): chr17:61,685,868, A>T on the plus strand (T>A on the coding strand, the complement: BRIP1 is on the minus strand). VCF-style: chr17-61685868-A-T. GRCh37 (hg19) VCF-style: chr17-59763229-A-T.
Other names: short protein forms L958Q.
Identifiers: ClinVar variation 187210 (VCV000187210.25), dbSNP rs145859791, ClinGen allele CA197020.
Genomic context (GRCh38, chr17:61,685,868, plus strand): 5'-AAAGGTAAATGGGAAGAACTTTTCATACTTTTCTCCTTTCTGGAGATAATGCTACTTGGT[A>T]GAGGTGAATTTTTGGTAATAATTTTAGGACACTGTAGTTCCTGGACACATATCTTTGCTT-3'
Protein context (NP_114432.2, residues 948-968): CPKIITKNSP[Leu958Gln]PSSIISRKEK